The following is an entry in ClinVar:

ClinVar aggregate classification (germline): Uncertain significance. Review status: criteria provided, multiple submitters, no conflicts (2 of 4 stars). 2 submissions from 2 submitters: Uncertain significance (2). Last evaluated 2025-04-24.

Conditions:
Gastrointestinal stromal tumor. Also called: Gastrointestinal stromal tumor, somatic; Gastrointestinal stroma tumor. Identifiers: Orphanet 44890, MedGen C0238198, MeSH D046152, MONDO:0011719, OMIM 606764, HP:0100723.
Hereditary cancer-predisposing syndrome. Also called: Tumor predisposition; Neoplastic Syndromes, Hereditary; Hereditary neoplastic syndrome; Hereditary Cancer Syndrome. Identifiers: Orphanet 140162, MedGen C0027672, MeSH D009386, MONDO:0015356.

Submissions (2):

Ambry Genetics
Classification: Uncertain significance for Hereditary cancer-predisposing syndrome. Last evaluated: 2025-04-24. Review status: criteria provided, single submitter. Criteria: Ambry Variant Classification Scheme 2023. Collection method: clinical testing. Allele origin: germline.
Comment: The p.Y730F variant (also known as c.2189A>T), located in coding exon 15 of the KIT gene, results from an A to T substitution at nucleotide position 2189. The tyrosine at codon 730 is replaced by phenylalanine, an amino acid with highly similar properties. This amino acid position is well conserved in available vertebrate species. In addition, the in silico prediction for this alteration is inconclusive. Based on the available evidence, the clinical significance of this variant remains unclear.

Labcorp Genetics (formerly Invitae), Labcorp
Classification: Uncertain significance for Gastrointestinal stromal tumor. Last evaluated: 2024-03-07. Review status: criteria provided, single submitter. Criteria: Invitae Variant Classification Sherloc (09022015). Collection method: clinical testing. Allele origin: germline.
Comment: This sequence change replaces tyrosine, which is neutral and polar, with phenylalanine, which is neutral and non-polar, at codon 730 of the KIT protein (p.Tyr730Phe). This variant is not present in population databases (gnomAD no frequency). This variant has not been reported in the literature in individuals affected with KIT-related conditions. ClinVar contains an entry for this variant (Variation ID: 1054254). An algorithm developed to predict the effect of missense changes on protein structure and function (PolyPhen-2) suggests that this variant is likely to be disruptive. In summary, the available evidence is currently insufficient to determine the role of this variant in disease. Therefore, it has been classified as a Variant of Uncertain Significance.

NM_000222.3(KIT):c.2189A>T (p.Tyr730Phe)

Gene: KIT (KIT proto-oncogene, receptor tyrosine kinase; plus strand). Cytogenetic location: 4q12.
Variant type: single nucleotide variant.
Coding change: c.2189A>T on transcript NM_000222.3 (MANE Select); coding-DNA position 2189, A replaced by T.
Protein change: p.Tyr730Phe; replaces tyrosine 730 with phenylalanine.
Molecular consequence: missense variant.
Genome position (GRCh38, 1-based): chr4:54,731,375, A>T. VCF-style: chr4-54731375-A-T. GRCh37 (hg19) VCF-style: chr4-55597541-A-T.
Other names: c.2177A>T, p.Tyr726Phe (NM_001093772.2, NM_001385292.1); c.2192A>T, p.Tyr731Phe (NM_001385284.1); c.2186A>T, p.Tyr729Phe (NM_001385285.1); c.2174A>T, p.Tyr725Phe (NM_001385286.1); c.2180A>T, p.Tyr727Phe (NM_001385288.1); c.2189A>T, p.Tyr730Phe (NM_001385290.1); c.2189A>T (NM_000222.2); short protein forms Y725F, Y726F, Y727F, Y729F, Y730F, Y731F.
Identifiers: ClinVar variation 1054254 (VCV001054254.10), dbSNP rs1722586142, ClinGen allele CA356910285.